The following is an entry in ClinVar:

ClinVar aggregate classification (germline): Pathogenic (1 of 4 stars; one submission).

Conditions:
Aortic aneurysm, familial thoracic 4 (AAT4). Also called: AORTIC ANEURYSM/AORTIC DISSECTION AND PATENT DUCTUS ARTERIOSUS. Identifiers: MedGen C1851504, MONDO:0007568, OMIM 132900.

Allele frequency attached by ClinVar (database versions not stated): gnomAD exomes below 0.00001.
gnomAD v4.1: 1 of 1,614,172 alleles (0.000062%); highest among the groups gnomAD compares: Non-Finnish European, 0.000085%; no homozygotes.

Submission:

Labcorp Genetics (formerly Invitae), Labcorp
Classification: Pathogenic for Aortic aneurysm, familial thoracic 4. Last evaluated: 2024-01-02. Review status: criteria provided, single submitter. Criteria: Invitae Variant Classification Sherloc (09022015). Collection method: clinical testing. Allele origin: germline.
Comment: This sequence change creates a premature translational stop signal (p.Gln1112*) in the MYH11 gene. It is expected to result in an absent or disrupted protein product. Loss-of-function variants in MYH11 are known to be pathogenic (PMID: 25407000, 29575632). This variant is not present in population databases (gnomAD no frequency). This variant has not been reported in the literature in individuals affected with MYH11-related conditions. For these reasons, this variant has been classified as Pathogenic.

Literature cited by the submitters: PubMed 25407000; PubMed 29575632.

NM_002474.3(MYH11):c.3313C>T (p.Gln1105Ter)

Gene: MYH11 (myosin heavy chain 11; minus strand). Cytogenetic location: 16p13.11.
Variant type: single nucleotide variant.
Coding change: c.3313C>T on transcript NM_002474.3 (MANE Select); coding-DNA position 3313, C replaced by T.
Protein change: p.Gln1105Ter; replaces glutamine 1105 with a stop codon.
Molecular consequence: nonsense.
Genome position (GRCh38, 1-based): chr16:15,735,559, G>A on the plus strand (C>T on the coding strand, the complement: MYH11 is on the minus strand). VCF-style: chr16-15735559-G-A. GRCh37 (hg19) VCF-style: chr16-15829416-G-A.
Other names: c.3334C>T, p.Gln1112Ter (NM_001040113.2, NM_001040114.2); c.3313C>T, p.Gln1105Ter (NM_022844.3); short protein forms Q1105*, Q1112*.
Identifiers: ClinVar variation 2707041 (VCV002707041.3), dbSNP rs2506177716, ClinGen allele CA394862143.